The following is an entry in ClinVar:

NM_001844.5(COL2A1):c.575del (p.Gly192fs)

Gene: COL2A1 (collagen type II alpha 1 chain; minus strand). Cytogenetic location: 12q13.11.
Variant type: Deletion.
Coding change: c.575del on transcript NM_001844.5 (MANE Select); coding-DNA position 575, one base deleted (G; older notation c.575delG).
Protein change: p.Gly192fs; shifts the reading frame from glycine 192.
Molecular consequence: frameshift variant.
Genome position (GRCh38, 1-based): chr12:47,996,582, C deleted on the plus strand (G on the coding strand, the reverse complement: COL2A1 is on the minus strand); the first of 2 consecutive C bases (chr12:47,996,582-47,996,583); deleting either gives the same sequence. VCF-style (leftmost placement, unchanged base first): chr12-47996581-AC-A. GRCh37 (hg19) VCF-style: chr12-48390364-AC-A.
Other names: c.368del, p.Gly123fs (NM_033150.3); short protein forms G123fs, G192fs.
Identifiers: ClinVar variation 2572519 (VCV002572519.1), dbSNP rs2540177679, ClinGen allele CA2580615175.

ClinVar aggregate classification (germline): Likely pathogenic (1 of 4 stars; one submission).

Conditions:
Stickler syndrome type 1 (STL1). Also called: STICKLER SYNDROME, MEMBRANOUS VITREOUS TYPE; STICKLER SYNDROME, VITREOUS TYPE 1; COL2A1-Related Stickler Syndrome; ARTHROOPHTHALMOPATHY, HEREDITARY PROGRESSIVE. Identifiers: Orphanet 828, Orphanet 90653, MedGen C2020284, MONDO:0007160, OMIM 108300.

Submission:

3billion
Classification: Likely pathogenic for Stickler syndrome type 1. Review status: criteria provided, single submitter. Criteria: ACMG Guidelines, 2015. Collection method: clinical testing. Allele origin: unknown. Affected: yes. Observed: 1 heterozygote.
Comment: The variant is not observed in the gnomAD v2.1.1 dataset. The variant is predicted to result in a loss or disruption of normal protein function through nonsense-mediated decay (NMD) or protein truncation. Multiple pathogenic variants are reported downstream of the variant. Therefore, this variant is classified as Likely pathogenic according to the recommendation of ACMG/AMP guideline.